The following is an entry in ClinVar:

NM_000039.3(APOA1):c.9T>C (p.Ala3=)

Genes: APOA1 (apolipoprotein A1; minus strand), APOA1-AS (APOA1 antisense RNA; plus strand). Cytogenetic location: 11q23.3.
Variant type: single nucleotide variant.
Coding change: c.9T>C on transcript NM_000039.3 (MANE Select); coding-DNA position 9, T replaced by C.
Protein change: p.Ala3=; no amino-acid change (alanine 3 retained).
Molecular consequence: synonymous variant.
Genome position (GRCh38, 1-based): chr11:116,837,379, A>G on the plus strand (T>C on the coding strand, the complement: APOA1 is on the minus strand). VCF-style: chr11-116837379-A-G. GRCh37 (hg19) VCF-style: chr11-116708095-A-G.
Other names: p.Ala3=; c.9T>C, p.Ala3= (NM_001318017.2, NM_001318018.2); c.-275T>C (NM_001318021.2); c.9T>C (NM_000039.2).
Identifiers: ClinVar variation 302511 (VCV000302511.45), dbSNP rs141383703, ClinGen allele CA6289932.
Genomic context (GRCh38, chr11:116,837,379, plus strand): 5'-GGCTCCCTAGGTTAGGGGACACCTACCCGTCAGGAAGAGCACGGCCAAGGTCAGCACCGC[A>G]GCTTTCATCCTGAAGGGCCGTGGGGGACCTGGAGGAGAAGAAGGGCCTGGCTGAGTGGGG-3'
Protein context (NP_000030.1, residues 1-13): MK[Ala3=]AVLTLAVLFL

ClinVar aggregate classification (germline): Benign/Likely benign. Review status: criteria provided, multiple submitters, no conflicts (2 of 4 stars). 13 submissions from 10 submitters: Benign (5); Likely benign (6). 2 of the submissions do not count toward it. Last evaluated 2025-10-01.

Conditions:
Familial visceral amyloidosis, Ostertag type (AMYLD2). Also called: AMYLOIDOSIS, HEREDITARY SYSTEMIC 2; AMYLOIDOSIS VIII; Familial visceral amyloidosis; Amyloidosis, hepatic and systemic; Hereditary Renal Amyloidosis; Ostertag type amyloidosis. Identifiers: Orphanet 85450, MedGen C0268389, MONDO:0007099, OMIM 105200.
Hypoalphalipoproteinemia, primary, 2. Also called: HIGH DENSITY LIPOPROTEIN DEFICIENCY; HYPOALPHALIPOPROTEINEMIA, PRIMARY, 2, AUTOSOMAL RECESSIVE. Identifiers: MedGen C5551172, MONDO:0032766, OMIM 618463.
Hypoalphalipoproteinemia, primary, 1. Identifiers: Orphanet 425, MedGen C5231558, MONDO:0011393, OMIM 604091.
Cardiovascular phenotype. Identifiers: MedGen CN230736.
Hypoalphalipoproteinemia, primary, 2, intermediate. Also called: HYPOALPHALIPOPROTEINEMIA, PRIMARY, 2, AUTOSOMAL DOMINANT. Identifiers: MedGen C5677030, MONDO:0859238, OMIM 619836.

Allele frequency attached by ClinVar (database versions not stated): gnomAD 0.00006 and 0.00010; ESP Exome Variant Server 0.00008; TOPMed 0.00011; ExAC 0.00016; gnomAD exomes 0.00020 and 0.00022.
gnomAD v4.1: 327 of 1,560,830 alleles (0.021%); highest among the groups gnomAD compares: South Asian, 0.081%; 1 homozygote.

Submissions (13):

Labcorp Genetics (formerly Invitae), Labcorp
Classification: Likely benign. Last evaluated: 2025-10-01. Review status: criteria provided, single submitter. Criteria: Invitae Variant Classification Sherloc (09022015). Collection method: clinical testing. Allele origin: germline.

Mayo Clinic Laboratories, Mayo Clinic
Classification: Likely benign. Last evaluated: 2025-03-03. Review status: criteria provided, single submitter. Criteria: ACMG Guidelines, 2015. Collection method: clinical testing. Allele origin: germline. Observed: 1 variant allele.
Comment: BP4, BP7

Blueprint Genetics
Classification: Likely benign. Last evaluated: 2024-09-20. Review status: criteria provided, single submitter. Criteria: ACMG Guidelines, 2015. Collection method: clinical testing. Allele origin: germline.

CeGaT Center for Human Genetics Tuebingen
Classification: Likely benign. Last evaluated: 2022-07-01. Review status: criteria provided, single submitter. Criteria: CeGaT Center For Human Genetics Tuebingen Variant Classification Criteria Version 2. Collection method: clinical testing. Allele origin: germline. Affected: yes. Observed: 1 variant allele.
Comment: APOA1: BP4, BP7

Ambry Genetics
Classification: Likely benign for Cardiovascular phenotype. Last evaluated: 2022-03-09. Review status: criteria provided, single submitter. Criteria: Ambry Variant Classification Scheme 2023. Collection method: clinical testing. Allele origin: germline.

Genome-Nilou Lab
Classification: Benign for Familial visceral amyloidosis, Ostertag type. Last evaluated: 2021-12-05. Review status: criteria provided, single submitter. Criteria: ACMG Guidelines, 2015. Collection method: clinical testing. Allele origin: germline. Affected: no.

Genome-Nilou Lab
Classification: Benign for Hypoalphalipoproteinemia, primary, 2. Last evaluated: 2021-12-05. Review status: criteria provided, single submitter. Criteria: ACMG Guidelines, 2015. Collection method: clinical testing. Allele origin: germline. Affected: no.

Genome-Nilou Lab
Classification: Benign for Hypoalphalipoproteinemia, primary, 2, intermediate. Last evaluated: 2021-12-05. Review status: criteria provided, single submitter. Criteria: ACMG Guidelines, 2015. Collection method: clinical testing. Allele origin: germline. Affected: no.

Illumina Laboratory Services, Illumina
Classification: Benign for Familial visceral amyloidosis, Ostertag type. Last evaluated: 2018-01-13. Review status: criteria provided, single submitter. Criteria: ICSL Variant Classification Criteria 13 December 2019. Collection method: clinical testing. Allele origin: germline.
Comment: This variant was observed in the ICSL laboratory as part of a predisposition screen in an ostensibly healthy population. It had not been previously curated by ICSL or reported in the Human Gene Mutation Database (HGMD: prior to June 1st, 2018), and was therefore a candidate for classification through an automated scoring system. Utilizing variant allele frequency, disease prevalence and penetrance estimates, and inheritance mode, an automated score was calculated to assess if this variant is too frequent to cause the disease. Based on the score and internal cut-off values, a variant classified as benign is not then subjected to further curation. The score for this variant resulted in a classification of benign for this disease.

Illumina Laboratory Services, Illumina
Classification: Benign for Hypoalphalipoproteinemia, primary, 1. Last evaluated: 2018-01-13. Review status: criteria provided, single submitter. Criteria: ICSL Variant Classification Criteria 13 December 2019. Collection method: clinical testing. Allele origin: germline.
Comment: the same text as in the submission from Illumina Laboratory Services, Illumina above.

Breakthrough Genomics
Classification: Likely benign. Review status: criteria provided, single submitter. Criteria: ACMG Guidelines, 2015. Collection method: not provided. Allele origin: germline. Inheritance: Autosomal recessive inheritance. Affected: yes.

Clinical Genetics DNA and cytogenetics Diagnostics Lab, Erasmus MC, Erasmus Medical Center
Classification: Likely benign. Review status: no assertion criteria provided. Collection method: clinical testing. Allele origin: germline. Affected: yes. Study: VKGL Data-share Consensus. Not counted in ClinVar's aggregate classification.

Clinical Genetics, Academic Medical Center
Classification: Likely benign. Review status: no assertion criteria provided. Collection method: clinical testing. Allele origin: germline. Affected: yes. Study: VKGL Data-share Consensus. Not counted in ClinVar's aggregate classification.